The following is an entry in ClinVar:

ClinVar aggregate classification (germline): Uncertain significance. Review status: criteria provided, single submitter (1 of 4 stars). 2 submissions from 2 submitters: Uncertain significance (1). 1 of the submissions does not count toward it. Last evaluated 2024-09-25.

Conditions:
Inborn genetic diseases. Identifiers: MedGen C0950123, MeSH D030342.
FOXJ1-related disorder. Also called: FOXJ1-related condition.

gnomAD v4.1: 35 of 1,606,470 alleles (0.0022%); highest among the groups gnomAD compares: Middle Eastern, 0.033%; no homozygotes.

Submissions (2):

Ambry Genetics
Classification: Uncertain significance for Inborn genetic diseases. Last evaluated: 2024-09-25. Review status: criteria provided, single submitter. Criteria: Ambry Variant Classification Scheme 2023. Collection method: clinical testing. Allele origin: germline.

PreventionGenetics, part of Exact Sciences
Classification: Likely benign for FOXJ1-related condition. Last evaluated: 2024-04-23. Review status: no assertion criteria provided. Collection method: clinical testing. Allele origin: germline. Not counted in ClinVar's aggregate classification.
Comment: This variant is classified as likely benign based on ACMG/AMP sequence variant interpretation guidelines (Richards et al. 2015 PMID: 25741868, with internal and published modifications).

NM_001454.4(FOXJ1):c.322C>T (p.Pro108Ser)

Gene: FOXJ1 (forkhead box J1; minus strand). Cytogenetic location: 17q25.1.
Variant type: single nucleotide variant.
Coding change: c.322C>T on transcript NM_001454.4 (MANE Select); coding-DNA position 322, C replaced by T.
Protein change: p.Pro108Ser; replaces proline 108 with serine.
Molecular consequence: missense variant.
Genome position (GRCh38, 1-based): chr17:76,140,074, G>A on the plus strand (C>T on the coding strand, the complement: FOXJ1 is on the minus strand). VCF-style: chr17-76140074-G-A. GRCh37 (hg19) VCF-style: chr17-74136155-G-A.
Other names: short protein forms P108S.
Identifiers: ClinVar variation 3349033 (VCV003349033.2).
Genomic context (GRCh38, chr17:76,140,074, plus strand): 5'-TGGCATACGAGTAGGGAGGCTTCACGTGCGGATTGGTGGCGTAGTCCACGTCGTCGGGGG[G>A]TGGGGCCTGCAGCCCCGGGGGCGCGCTCCGCGACGTGCACGACGACGTGGGCTTGCCCGG-3'
Protein context (NP_001445.2, residues 98-118): RSAPPGLQAP[Pro108Ser]PDDVDYATNP